The following is an entry in ClinVar:

NM_001903.5(CTNNA1):c.2013G>T (p.Ala671=)

Gene: CTNNA1 (catenin alpha 1; plus strand). Cytogenetic location: 5q31.2.
Variant type: single nucleotide variant.
Coding change: c.2013G>T on transcript NM_001903.5 (MANE Select); coding-DNA position 2013, G replaced by T.
Protein change: p.Ala671=; no amino-acid change (alanine 671 retained).
Molecular consequence: synonymous variant.
Genome position (GRCh38, 1-based): chr5:138,930,475, G>T. VCF-style: chr5-138930475-G-T. GRCh37 (hg19) VCF-style: chr5-138266164-G-T.
Other names: c.2013G>T, p.Ala671= (NM_001290307.3, NM_001323982.2, NM_001323983.1 and 2 more transcripts); c.1704G>T, p.Ala568= (NM_001290309.3); c.1644G>T, p.Ala548= (NM_001290310.3); c.903G>T, p.Ala301= (NM_001290312.1, NM_001323987.1, NM_001323988.1 and 17 more transcripts); c.1920G>T, p.Ala640= (NM_001323986.2); c.564G>T, p.Ala188= (NM_001324006.1, NM_001324007.1, NM_001324008.1 and 2 more transcripts); c.810G>T, p.Ala270= (NM_001324011.1); c.660G>T, p.Ala220= (NM_001324012.1, NM_001324013.1).
Identifiers: ClinVar variation 695330 (VCV000695330.15), dbSNP rs28363488, ClinGen allele CA3432108.

ClinVar aggregate classification (germline): Benign/Likely benign. Review status: criteria provided, multiple submitters, no conflicts (2 of 4 stars). 3 submissions from 3 submitters: Benign (1); Likely benign (2). Last evaluated 2025-08-15.

Conditions:
Hereditary cancer-predisposing syndrome. Also called: Neoplastic Syndromes, Hereditary; Tumor predisposition; Hereditary neoplastic syndrome; Hereditary Cancer Syndrome. Identifiers: Orphanet 140162, MedGen C0027672, MeSH D009386, MONDO:0015356.
Hereditary diffuse gastric adenocarcinoma (HDGC). Also called: DIFFUSE GASTRIC AND LOBULAR BREAST CANCER SYNDROME. Identifiers: Orphanet 26106, MedGen C1708349, MONDO:0007648, OMIM 137215.

Allele frequency attached by ClinVar (database versions not stated): TOPMed 0.00001.
gnomAD v4.1: 34 of 1,610,340 alleles (0.0021%); highest among the groups gnomAD compares: Non-Finnish European, 0.0028%; no homozygotes.

Submissions (3):

Labcorp Genetics (formerly Invitae), Labcorp
Classification: Likely benign. Last evaluated: 2025-08-15. Review status: criteria provided, single submitter. Criteria: Invitae Variant Classification Sherloc (09022015). Collection method: clinical testing. Allele origin: germline.

Ambry Genetics
Classification: Likely benign for Hereditary cancer-predisposing syndrome. Last evaluated: 2025-06-22. Review status: criteria provided, single submitter. Criteria: Ambry Variant Classification Scheme 2023. Collection method: clinical testing. Allele origin: germline.

Myriad Genetics, Inc.
Classification: Benign for Hereditary diffuse gastric adenocarcinoma. Last evaluated: 2024-10-14. Review status: criteria provided, single submitter. Criteria: Myriad Autosomal Dominant, Autosomal Recessive and X-Linked Classification Criteria (2023). Collection method: clinical testing. Allele origin: unknown.
Comment: This variant is considered benign. This variant is a silent/synonymous amino acid change and it is not expected to impact splicing.